The following is an entry in ClinVar:

NM_024577.4(SH3TC2):c.1329G>A (p.Glu443=)

Gene: SH3TC2 (SH3 domain and tetratricopeptide repeats 2; minus strand). Cytogenetic location: 5q32.
Variant type: single nucleotide variant.
Coding change: c.1329G>A on transcript NM_024577.4 (MANE Select); coding-DNA position 1329, G replaced by A.
Protein change: p.Glu443=; no amino-acid change (glutamic acid 443 retained).
Molecular consequence: synonymous variant.
Genome position (GRCh38, 1-based): chr5:149,028,403, C>T on the plus strand (G>A on the coding strand, the complement: SH3TC2 is on the minus strand). VCF-style: chr5-149028403-C-T. GRCh37 (hg19) VCF-style: chr5-148407966-C-T.
Identifiers: ClinVar variation 386231 (VCV000386231.13), dbSNP rs150135768, ClinGen allele CA3499194.

ClinVar aggregate classification (germline): Likely benign. Review status: criteria provided, multiple submitters, no conflicts (2 of 4 stars). 4 submissions from 4 submitters: Likely benign (3). 1 of the submissions does not count toward it. Last evaluated 2024-06-26.

Conditions:
SH3TC2-related disorder. Also called: SH3TC2-related condition; SH3TC2-related disorders. Identifiers: MedGen CN239303.
Inborn genetic diseases. Identifiers: MedGen C0950123, MeSH D030342.
Charcot-Marie-Tooth disease type 4. Also called: Charcot-Marie-Tooth disease, type IV; Charcot-Marie-Tooth, Type 4. Identifiers: Orphanet 64749, MedGen C4082197, MONDO:0018995.

Allele frequency attached by ClinVar (database versions not stated): TOPMed 0.00011; gnomAD 0.00014; ESP Exome Variant Server 0.00023; 1000 Genomes Project 30x 0.00031.
gnomAD v4.1: 53 of 1,614,016 alleles (0.0033%); highest among the groups gnomAD compares: African/African-American, 0.049%; no homozygotes.

Submissions (4):

Labcorp Genetics (formerly Invitae), Labcorp
Classification: Likely benign for Charcot-Marie-Tooth disease type 4. Last evaluated: 2024-06-26. Review status: criteria provided, single submitter. Criteria: Invitae Variant Classification Sherloc (09022015). Collection method: clinical testing. Allele origin: germline.

Ambry Genetics
Classification: Likely benign for Inborn genetic diseases. Last evaluated: 2019-07-11. Review status: criteria provided, single submitter. Criteria: Ambry Variant Classification Scheme 2023. Collection method: clinical testing. Allele origin: germline.

GeneDx
Classification: Likely benign. Last evaluated: 2016-05-18. Review status: criteria provided, single submitter. Criteria: GeneDx Variant Classification (06012015). Collection method: clinical testing. Allele origin: germline. Affected: yes.
Comment: This variant is considered likely benign or benign based on one or more of the following criteria: it is a conservative change, it occurs at a poorly conserved position in the protein, it is predicted to be benign by multiple in silico algorithms, and/or has population frequency not consistent with disease.

PreventionGenetics, part of Exact Sciences
Classification: Likely benign for SH3TC2-related condition. Last evaluated: 2019-12-26. Review status: no assertion criteria provided. Collection method: clinical testing. Allele origin: germline. Not counted in ClinVar's aggregate classification.
Comment: This variant is classified as likely benign based on ACMG/AMP sequence variant interpretation guidelines (Richards et al. 2015 PMID: 25741868, with internal and published modifications).